The following is an entry in ClinVar:

NM_000089.4(COL1A2):c.2027G>C (p.Gly676Ala)

Gene: COL1A2 (collagen type I alpha 2 chain; plus strand). Cytogenetic location: 7q21.3.
Variant type: single nucleotide variant.
Coding change: c.2027G>C on transcript NM_000089.4 (MANE Select); coding-DNA position 2027, G replaced by C.
Protein change: p.Gly676Ala; replaces glycine 676 with alanine.
Molecular consequence: missense variant.
Genome position (GRCh38, 1-based): chr7:94,419,499, G>C. VCF-style: chr7-94419499-G-C. GRCh37 (hg19) VCF-style: chr7-94048811-G-C.
Other names: p.Gly676Ala; short protein forms G676A.
Identifiers: ClinVar variation 4541313 (VCV004541313.2).

ClinVar aggregate classification (germline): Pathogenic/Likely pathogenic. Review status: criteria provided, multiple submitters, no conflicts (2 of 4 stars). 2 submissions from 2 submitters: Pathogenic (1); Likely pathogenic (1). Last evaluated 2025-12-15.

Conditions:
Ehlers-Danlos syndrome, classic type, 1 (EDSCL1). Also called: EHLERS-DANLOS SYNDROME, GRAVIS TYPE; EHLERS-DANLOS SYNDROME, SEVERE CLASSIC TYPE; Ehlers-Danlos syndrome, type 1; Ehlers-Danlos Syndrome, Classic Type, COL5A1-Related; EDS I. Identifiers: MedGen C0268335, MONDO:0019567, OMIM 130000.
Osteogenesis imperfecta type I (OI1). Also called: OI, TYPE I; OSTEOGENESIS IMPERFECTA TARDA; OSTEOGENESIS IMPERFECTA WITH BLUE SCLERAE; Osteogenesis imperfecta type 1; Lobstein's Disease; Lobstein disease. Identifiers: Orphanet 216796, Orphanet 666, MedGen C0023931, MONDO:0008146, OMIM 166200. Disease mechanism: loss of function.

gnomAD v4.1: 7 of 1,613,868 alleles (0.00043%); highest among the groups gnomAD compares: Non-Finnish European, 0.00059%; no homozygotes.

Submissions (2):

Labcorp Genetics (formerly Invitae), Labcorp
Classification: Pathogenic for Osteogenesis imperfecta type I; Ehlers-Danlos syndrome, classic type, 1. Last evaluated: 2025-12-15. Review status: criteria provided, single submitter. Criteria: Invitae Variant Classification Sherloc (09022015). Collection method: clinical testing. Allele origin: germline.
Comment: This sequence change replaces glycine, which is neutral and non-polar, with alanine, which is neutral and non-polar, at codon 676 of the COL1A2 protein (p.Gly676Ala). This variant is present in population databases (no rsID available, gnomAD 0.0009%). This variant has not been reported in the literature in individuals affected with COL1A2-related conditions. Experimental studies and prediction algorithms are not available or were not evaluated, and the functional significance of this variant is currently unknown. This variant disrupts the triple helix domain of COL1A2. Glycine residues within the Gly-Xaa-Yaa repeats of the triple helix domain are required for the structure and stability of fibrillar collagens (PMID: 7695699, 8218237, 19344236). In COL1A2, variants affecting these glycine residues are significantly enriched in individuals with disease (PMID: 9016532, 17078022) compared to the general population (ExAC). This variant disrupts the p.Gly676 amino acid residue in COL1A2. Other variant(s) that disrupt this residue have been observed in individuals with COL1A2-related conditions (PMID: 2064612, 11317364, 16705691), which suggests that this may be a clinically significant amino acid residue. For these reasons, this variant has been classified as Pathogenic.

Mayo Clinic Laboratories, Mayo Clinic
Classification: Likely pathogenic. Last evaluated: 2025-10-16. Review status: criteria provided, single submitter. Criteria: ACMG Guidelines, 2015. Collection method: clinical testing. Allele origin: germline. Observed: 1 variant allele.
Comment: PP3_strong, PM1, PM2_supporting

Literature cited by the submitters: PubMed 7695699 (cited by Labcorp Genetics (formerly Invitae), Labcorp); PubMed 8218237 (cited by Labcorp Genetics (formerly Invitae), Labcorp); PubMed 19344236 (cited by Labcorp Genetics (formerly Invitae), Labcorp); PubMed 9016532 (cited by Labcorp Genetics (formerly Invitae), Labcorp); PubMed 17078022 (cited by Labcorp Genetics (formerly Invitae), Labcorp); PubMed 2064612 (cited by Labcorp Genetics (formerly Invitae), Labcorp); PubMed 11317364 (cited by Labcorp Genetics (formerly Invitae), Labcorp); PubMed 16705691 (cited by Labcorp Genetics (formerly Invitae), Labcorp).